The following is an entry in ClinVar:

ClinVar aggregate classification (germline): Conflicting classifications of pathogenicity. Review status: criteria provided, conflicting classifications (1 of 4 stars). 4 submissions from 4 submitters: Uncertain significance (2); Likely benign (2). Last evaluated 2026-09-02.

Conditions:
Inborn genetic diseases. Identifiers: MedGen C0950123, MeSH D030342.
Hereditary spastic paraplegia 4. Also called: Familial spastic paraplegia autosomal dominant 2; Spastic paraplegia 4, autosomal dominant; Spastic Paraplegia 4. Identifiers: Orphanet 100985, MedGen C1866855, MONDO:0008438, OMIM 182601.

Allele frequency attached by ClinVar (database versions not stated): gnomAD exomes below 0.00001; gnomAD 0.00001; TOPMed 0.00002.
gnomAD v4.1: 19 of 1,597,930 alleles (0.0012%); highest among the groups gnomAD compares: Non-Finnish European, 0.0015%; no homozygotes.

Submissions (4):

Ambry Genetics
Classification: Uncertain significance for Inborn genetic diseases. Last evaluated: 2026-09-02. Review status: criteria provided, single submitter. Criteria: Ambry Variant Classification Scheme 2023. Collection method: clinical testing. Allele origin: germline.
Comment: The c.97C>G (p.P33A) alteration is located in exon 1 (coding exon 1) of the SPAST gene. This alteration results from a C to G substitution at nucleotide position 97, causing the proline (P) at amino acid position 33 to be replaced by an alanine (A). Based on data from gnomAD, the G allele has an overall frequency of <0.001% (1/216878) total alleles studied. The highest observed frequency was 0.001% (1/94618) of European (non-Finnish) alleles. Based on insufficient or conflicting evidence, the clinical significance of this alteration remains unclear.

Labcorp Genetics (formerly Invitae), Labcorp
Classification: Uncertain significance for Hereditary spastic paraplegia 4. Last evaluated: 2023-04-22. Review status: criteria provided, single submitter. Criteria: Invitae Variant Classification Sherloc (09022015). Collection method: clinical testing. Allele origin: germline.
Comment: Advanced modeling of protein sequence and biophysical properties (such as structural, functional, and spatial information, amino acid conservation, physicochemical variation, residue mobility, and thermodynamic stability) performed at Invitae indicates that this missense variant is not expected to disrupt SPAST protein function. In summary, the available evidence is currently insufficient to determine the role of this variant in disease. Therefore, it has been classified as a Variant of Uncertain Significance. ClinVar contains an entry for this variant (Variation ID: 1694951). This sequence change replaces proline, which is neutral and non-polar, with alanine, which is neutral and non-polar, at codon 33 of the SPAST protein (p.Pro33Ala). This variant is present in population databases (no rsID available, gnomAD 0.001%). This variant has not been reported in the literature in individuals affected with SPAST-related conditions.

CeGaT Center for Human Genetics Tuebingen
Classification: Likely benign. Last evaluated: 2022-06-01. Review status: criteria provided, single submitter. Criteria: CeGaT Center For Human Genetics Tuebingen Variant Classification Criteria Version 2. Collection method: clinical testing. Allele origin: germline. Affected: yes. Observed: 1 variant allele.
Comment: SPAST: BP5

Blueprint Genetics
Classification: Likely benign. Last evaluated: 2020-12-11. Review status: criteria provided, single submitter. Criteria: ACMG Guidelines, 2015. Collection method: clinical testing. Allele origin: germline.

NM_014946.4(SPAST):c.97C>G (p.Pro33Ala)

Gene: SPAST (spastin; plus strand). Cytogenetic location: 2p22.3.
Variant type: single nucleotide variant.
Coding change: c.97C>G on transcript NM_014946.4 (MANE Select); coding-DNA position 97, C replaced by G.
Protein change: p.Pro33Ala; replaces proline 33 with alanine.
Molecular consequence: missense variant.
Genome position (GRCh38, 1-based): chr2:32,063,928, C>G. VCF-style: chr2-32063928-C-G. GRCh37 (hg19) VCF-style: chr2-32288997-C-G.
Other names: c.97C>G, p.Pro33Ala (NM_001363823.2, NM_001363875.2, NM_001377959.1 and 1 more transcripts); c.97C>G (NM_014946.3); short protein forms P33A.
Identifiers: ClinVar variation 1694951 (VCV001694951.36), dbSNP rs1403480959, ClinGen allele CA346601353.